The following is an entry in ClinVar:

ClinVar aggregate classification (germline): Conflicting classifications of pathogenicity. Review status: criteria provided, conflicting classifications (1 of 4 stars). 4 submissions from 4 submitters: Uncertain significance (1); Likely benign (2). 1 of the submissions does not count toward it. Last evaluated 2022-09-09.

Conditions:
Inborn genetic diseases. Identifiers: MedGen C0950123, MeSH D030342.
LSS-related disorder. Also called: LSS-related condition.

Allele frequency attached by ClinVar (database versions not stated): gnomAD exomes below 0.00001; ExAC 0.00001; gnomAD 0.00001; TOPMed 0.00002.
gnomAD v4.1: 7 of 1,613,930 alleles (0.00043%); highest among the groups gnomAD compares: East Asian, 0.016%; no homozygotes.

Submissions (4):

Labcorp Genetics (formerly Invitae), Labcorp
Classification: Likely benign. Last evaluated: 2022-09-09. Review status: criteria provided, single submitter. Criteria: Invitae Variant Classification Sherloc (09022015). Collection method: clinical testing. Allele origin: germline.

Ambry Genetics
Classification: Uncertain significance for Inborn genetic diseases. Last evaluated: 2021-04-20. Review status: criteria provided, single submitter. Criteria: Ambry Variant Classification Scheme 2023. Collection method: clinical testing. Allele origin: germline.
Comment: The c.1138-4G>T intronic alteration consists of a G to T substitution 4 nucleotides before exon 12 of the LSS gene. Based on insufficient or conflicting evidence, the clinical significance of this alteration remains unclear.

GeneDx
Classification: Likely benign. Last evaluated: 2018-06-04. Review status: criteria provided, single submitter. Criteria: GeneDx Variant Classification (06012015). Collection method: clinical testing. Allele origin: germline. Affected: yes.
Comment: This variant is considered likely benign or benign based on one or more of the following criteria: it is a conservative change, it occurs at a poorly conserved position in the protein, it is predicted to be benign by multiple in silico algorithms, and/or has population frequency not consistent with disease.

PreventionGenetics, part of Exact Sciences
Classification: Likely benign for LSS-related condition. Last evaluated: 2019-07-31. Review status: no assertion criteria provided. Collection method: clinical testing. Allele origin: germline. Not counted in ClinVar's aggregate classification.
Comment: This variant is classified as likely benign based on ACMG/AMP sequence variant interpretation guidelines (Richards et al. 2015 PMID: 25741868, with internal and published modifications).

NM_002340.6(LSS):c.1138-4G>T

Gene: LSS (lanosterol synthase; minus strand). Cytogenetic location: 21q22.3.
Variant type: single nucleotide variant.
Coding change: c.1138-4G>T on transcript NM_002340.6 (MANE Select); 4 bases into the intron before coding-DNA position 1138, G replaced by T.
Molecular consequence: intron variant.
Genome position (GRCh38, 1-based): chr21:46,210,748, C>A on the plus strand (G>T on the coding strand, the complement: LSS is on the minus strand). VCF-style: chr21-46210748-C-A. GRCh37 (hg19) VCF-style: chr21-47630662-C-A.
Other names: c.1138-4G>T (NM_001001438.2, NM_001001438.3, NM_002340.5); c.1105-4G>T (NM_001145436.2); c.898-4G>T (NM_001145437.2).
Identifiers: ClinVar variation 681490 (VCV000681490.8), dbSNP rs779175503, ClinGen allele CA10075133.